The following is an entry in ClinVar:

NM_004629.2(FANCG):c.1078G>A (p.Ala360Thr)

Gene: FANCG (FA complementation group G; minus strand). Cytogenetic location: 9p13.3.
Variant type: single nucleotide variant.
Coding change: c.1078G>A on transcript NM_004629.2 (MANE Select); coding-DNA position 1078, G replaced by A.
Protein change: p.Ala360Thr; replaces alanine 360 with threonine.
Molecular consequence: missense variant.
Genome position (GRCh38, 1-based): chr9:35,076,027, C>T on the plus strand (G>A on the coding strand, the complement: FANCG is on the minus strand). VCF-style: chr9-35076027-C-T. GRCh37 (hg19) VCF-style: chr9-35076024-C-T.
Other names: short protein forms A360T.
Identifiers: ClinVar variation 3632662 (VCV003632662.2).

ClinVar aggregate classification (germline): Uncertain significance (1 of 4 stars; one submission).

Conditions:
Fanconi anemia (FA). Also called: Fanconi's anemia. Identifiers: Orphanet 84, MedGen C0015625, MeSH D005199, MONDO:0019391.

Submission:

Labcorp Genetics (formerly Invitae), Labcorp
Classification: Uncertain significance for Fanconi anemia. Last evaluated: 2025-05-12. Review status: criteria provided, single submitter. Criteria: Invitae Variant Classification Sherloc (09022015). Collection method: clinical testing. Allele origin: germline.
Comment: This sequence change replaces alanine, which is neutral and non-polar, with threonine, which is neutral and polar, at codon 360 of the FANCG protein (p.Ala360Thr). This variant is not present in population databases (gnomAD no frequency). This variant has not been reported in the literature in individuals affected with FANCG-related conditions. ClinVar contains an entry for this variant (Variation ID: 3632662). An algorithm developed to predict the effect of missense changes on protein structure and function outputs the following: PolyPhen-2: "Benign". The threonine amino acid residue is found in multiple mammalian species, which suggests that this missense change does not adversely affect protein function. In summary, the available evidence is currently insufficient to determine the role of this variant in disease. Therefore, it has been classified as a Variant of Uncertain Significance.